The following is an entry in ClinVar:

NM_017852.5(NLRP2):c.3050+1G>A

Gene: NLRP2 (NLR family pyrin domain containing 2; plus strand). Cytogenetic location: 19q13.42.
Variant type: single nucleotide variant.
Coding change: c.3050+1G>A on transcript NM_017852.5 (MANE Select); the canonical splice donor site of the intron after coding-DNA position 3050, G replaced by A.
Molecular consequence: splice donor variant.
Genome position (GRCh38, 1-based): chr19:54,997,488, G>A. VCF-style: chr19-54997488-G-A. GRCh37 (hg19) VCF-style: chr19-55508856-G-A.
Other names: c.3050+1G>A (NM_001174081.3); c.3041+1G>A (NM_001348003.2); c.2984+1G>A (NM_001174082.3); c.2981+1G>A (NM_001174083.2).
Identifiers: ClinVar variation 2446130 (VCV002446130.1), dbSNP rs757046992, ClinGen allele CA407457237.

ClinVar aggregate classification (germline): Uncertain significance (1 of 4 stars; one submission).

Allele frequency attached by ClinVar (database versions not stated): gnomAD exomes below 0.00001; gnomAD 0.00001.
gnomAD v4.1: 2 of 1,614,016 alleles (0.00012%); highest among the groups gnomAD compares: African/African-American, 0.0013%; no homozygotes.

Submission:

GeneDx
Classification: Uncertain significance. Last evaluated: 2022-09-22. Review status: criteria provided, single submitter. Criteria: GeneDx Variant Classification Process June 2021. Collection method: clinical testing. Allele origin: germline. Affected: yes.
Comment: Not observed at significant frequency in large population cohorts (gnomAD); Canonical splice site variant with an unclear effect on protein function; Has not been previously published as pathogenic or benign to our knowledge